The following is an entry in ClinVar:

NM_001916.5(CYC1):c.648G>A (p.Thr216=)

Gene: CYC1 (cytochrome c1; plus strand). Cytogenetic location: 8q24.3.
Variant type: single nucleotide variant.
Coding change: c.648G>A on transcript NM_001916.5 (MANE Select); coding-DNA position 648, G replaced by A.
Protein change: p.Thr216=; no amino-acid change (threonine 216 retained).
Molecular consequence: synonymous variant.
Genome position (GRCh38, 1-based): chr8:144,096,620, G>A. VCF-style: chr8-144096620-G-A. GRCh37 (hg19) VCF-style: chr8-145151523-G-A.
Identifiers: ClinVar variation 2068432 (VCV002068432.4), dbSNP rs201055856, ClinGen allele CA4933476.
Genomic context (GRCh38, chr8:144,096,620, plus strand): 5'-AAGGAGCCATGGATCTGGTCCTAGGCATGGTGGTGAGGACTACGTCTTCTCCCTGCTCAC[G>A]GGCTACTGCGAGCCACCCACCGGGGTGTCACTGCGGGAAGGTCTCTACTTCAACCCCTAC-3'
Protein context (NP_001907.3, residues 206-226): GGEDYVFSLL[Thr216=]GYCEPPTGVS

ClinVar aggregate classification (germline): Uncertain significance (1 of 4 stars; one submission).

Allele frequency attached by ClinVar (database versions not stated): TOPMed 0.00001; gnomAD 0.00002; 1000 Genomes Project 30x 0.00031.
gnomAD v4.1: 22 of 1,613,942 alleles (0.0014%); highest among the groups gnomAD compares: South Asian, 0.0055%; no homozygotes.

Submission:

Labcorp Genetics (formerly Invitae), Labcorp
Classification: Uncertain significance. Last evaluated: 2025-03-31. Review status: criteria provided, single submitter. Criteria: Invitae Variant Classification Sherloc (09022015). Collection method: clinical testing. Allele origin: germline.
Comment: This sequence change affects codon 216 of the CYC1 mRNA. It is a 'silent' change, meaning that it does not change the encoded amino acid sequence of the CYC1 protein. This variant is present in population databases (rs201055856, gnomAD 0.003%). This variant has not been reported in the literature in individuals affected with CYC1-related conditions. ClinVar contains an entry for this variant (Variation ID: 2068432). Algorithms developed to predict the effect of sequence changes on RNA splicing suggest that this variant may disrupt the consensus splice site. In summary, the available evidence is currently insufficient to determine the role of this variant in disease. Therefore, it has been classified as a Variant of Uncertain Significance.